The following is an entry in ClinVar:

ClinVar aggregate classification (germline): Uncertain significance (1 of 4 stars; one submission).

Conditions:
Long QT syndrome (LQTS). Identifiers: MedGen C0023976, MeSH D008133, MONDO:0002442. Disease mechanism: loss of function. Inheritance: Various modes of inheritance.

Submission:

Labcorp Genetics (formerly Invitae), Labcorp
Classification: Uncertain significance for Long QT syndrome. Last evaluated: 2019-02-22. Review status: criteria provided, single submitter. Criteria: Invitae Variant Classification Sherloc (09022015). Collection method: clinical testing. Allele origin: germline.
Comment: Algorithms developed to predict the effect of missense changes on protein structure and function (SIFT, PolyPhen-2, Align-GVGD) all suggest that this variant is likely to be disruptive, but these predictions have not been confirmed by published functional studies and their clinical significance is uncertain. In summary, the available evidence is currently insufficient to determine the role of this variant in disease. Therefore, it has been classified as a Variant of Uncertain Significance. This variant has not been reported in the literature in individuals with KCNQ1-related conditions. This variant is not present in population databases (ExAC no frequency). This sequence change replaces cysteine with tyrosine at codon 331 of the KCNQ1 protein (p.Cys331Tyr). The cysteine residue is highly conserved and there is a large physicochemical difference between cysteine and tyrosine.

NM_000218.3(KCNQ1):c.992G>A (p.Cys331Tyr)

Gene: KCNQ1 (potassium voltage-gated channel subfamily Q member 1; plus strand). Cytogenetic location: 11p15.5.
Variant type: single nucleotide variant.
Coding change: c.992G>A on transcript NM_000218.3 (MANE Select); coding-DNA position 992, G replaced by A.
Protein change: p.Cys331Tyr; replaces cysteine 331 with tyrosine.
Molecular consequence: missense variant.
Genome position (GRCh38, 1-based): chr11:2,583,505, G>A. VCF-style: chr11-2583505-G-A. GRCh37 (hg19) VCF-style: chr11-2604735-G-A.
Other names: c.992G>A, p.Cys331Tyr (NM_001406836.1); c.722G>A, p.Cys241Tyr (NM_001406837.1); c.548G>A, p.Cys183Tyr (NM_001406838.1); c.611G>A, p.Cys204Tyr (NM_181798.2); short protein forms C331Y, C204Y, C241Y, C183Y.
Identifiers: ClinVar variation 835945 (VCV000835945.11), dbSNP rs1848536656, ClinGen allele CA379133063.